The following is an entry in ClinVar:

NM_199420.4(POLQ):c.2530A>C (p.Lys844Gln)

Gene: POLQ (DNA polymerase theta; minus strand). Cytogenetic location: 3q13.33.
Variant type: single nucleotide variant.
Coding change: c.2530A>C on transcript NM_199420.4 (MANE Select); coding-DNA position 2530, A replaced by C.
Protein change: p.Lys844Gln; replaces lysine 844 with glutamine.
Molecular consequence: missense variant.
Genome position (GRCh38, 1-based): chr3:121,490,401, T>G on the plus strand (A>C on the coding strand, the complement: POLQ is on the minus strand). VCF-style: chr3-121490401-T-G. GRCh37 (hg19) VCF-style: chr3-121209248-T-G.
Other names: short protein forms K844Q.
Identifiers: ClinVar variation 1792690 (VCV001792690.2), dbSNP rs2546788572, ClinGen allele CA354106004.
Genomic context (GRCh38, chr3:121,490,401, plus strand): 5'-CCCAGATAGTTCGCATATTGCGACGTTCTTCAACTGCTTCCTCTTCCTCATCCACTGCCT[T>G]CCGGGCACTACACAAGGAGATGGGAAAAGACAGAAATGAATTCATTCATTCGTAAGGCAA-3'
Protein context (NP_955452.3, residues 834-854): KNAVPFKSAR[Lys844Gln]AVDEEEEAVE

ClinVar aggregate classification (germline): Uncertain significance (1 of 4 stars; one submission).

Submission:

Ambry Genetics
Classification: Uncertain significance. Last evaluated: 2021-09-26. Review status: criteria provided, single submitter. Criteria: Ambry Variant Classification Scheme 2023. Collection method: clinical testing. Allele origin: germline.
Comment: The p.K844Q variant (also known as c.2530A>C), located in coding exon 16 of the POLQ gene, results from an A to C substitution at nucleotide position 2530. The lysine at codon 844 is replaced by glutamine, an amino acid with similar properties. This amino acid position is conserved. In addition, this alteration is predicted to be tolerated by in silico analysis. Since supporting evidence is limited at this time, the clinical significance of this alteration remains unclear.